The following is an entry in ClinVar:

NM_000377.3(WAS):c.778-7T>C

Gene: WAS (WASP actin nucleation promoting factor; plus strand). Cytogenetic location: Xp11.23.
Variant type: single nucleotide variant.
Coding change: c.778-7T>C on transcript NM_000377.3 (MANE Select); 7 bases into the intron before coding-DNA position 778, T replaced by C.
Molecular consequence: intron variant.
Genome position (GRCh38, 1-based): chrX:48,688,293, T>C. VCF-style: chrX-48688293-T-C. GRCh37 (hg19) VCF-style: chrX-48546682-T-C.
Other names: p.?; c.778-7T>C (NM_001438879.1, NM_001438877.1, NM_001438878.1 and 1 more transcripts).
Identifiers: ClinVar variation 4684517 (VCV004684517.1).

ClinVar aggregate classification (germline): Likely benign (1 of 4 stars; one submission).

gnomAD v4.1: 2 of 1,200,386 alleles (0.00017%); highest among the groups gnomAD compares: Non-Finnish European, 0.00022%; no homozygotes.

Submission:

Mayo Clinic Laboratories, Mayo Clinic
Classification: Likely benign. Last evaluated: 2025-06-27. Review status: criteria provided, single submitter. Criteria: ACMG Guidelines, 2015. Collection method: clinical testing. Allele origin: germline. Observed: 1 variant allele.
Comment: BP4, BP7, PM2_supporting